The following is an entry in ClinVar:

ClinVar aggregate classification (germline): Pathogenic/Likely pathogenic. Review status: criteria provided, multiple submitters, no conflicts (2 of 4 stars). 5 submissions from 5 submitters: Pathogenic (1); Likely pathogenic (4). Last evaluated 2026-05-08.

Conditions:
Hereditary cancer-predisposing syndrome. Also called: Hereditary Cancer Syndrome; Tumor predisposition; Hereditary neoplastic syndrome; Neoplastic Syndromes, Hereditary. Identifiers: Orphanet 140162, MedGen C0027672, MeSH D009386, MONDO:0015356.
Hereditary nonpolyposis colorectal neoplasms. Identifiers: MedGen C0009405, MeSH D003123.
Lynch syndrome 5 (LYNCH5). Also called: Hereditary non-polyposis colorectal cancer, type 5; Colorectal cancer, hereditary nonpolyposis, type 5. Identifiers: Orphanet 144, MedGen C1833477, MONDO:0013710, OMIM 614350. Disease mechanism: loss of function.

Allele frequency attached by ClinVar (database versions not stated): gnomAD exomes below 0.00001.
gnomAD v4.1: 1 of 1,593,390 alleles (0.000063%); no homozygotes.

Submissions (5):

Ambry Genetics
Classification: Likely pathogenic for Hereditary cancer-predisposing syndrome. Last evaluated: 2026-05-08. Review status: criteria provided, single submitter. Criteria: Ambry Variant Classification Scheme 2023. Collection method: clinical testing. Allele origin: germline.
Comment: The c.3646+2T>C intronic variant results from a T to C substitution two nucleotides after coding exon 7 in the MSH6 gene. Alterations that disrupt the canonical splice site are expected to result in aberrant splicing. In silico splice site analysis predicts that this alteration will weaken the native splice donor site. RNA studies have demonstrated that this alteration results in abnormal splicing in the set of samples tested (Ambry internal data). The resulting transcript is predicted to be in-frame and is not expected to trigger nonsense-mediated mRNA decay; however, direct evidence is unavailable. The exact functional effect of the altered amino acid sequence is unknown; however, the impacted region is critical for protein function (Ambry internal data). This nucleotide position is highly conserved in available vertebrate species. Based on the majority of available evidence to date, this variant is likely to be pathogenic.

Labcorp Genetics (formerly Invitae), Labcorp
Classification: Pathogenic for Hereditary nonpolyposis colorectal neoplasms. Last evaluated: 2024-10-07. Review status: criteria provided, single submitter. Criteria: Invitae Variant Classification Sherloc (09022015). Collection method: clinical testing. Allele origin: germline.
Comment: This sequence change affects a donor splice site in intron 7 of the MSH6 gene. It is expected to disrupt RNA splicing. Variants that disrupt the donor or acceptor splice site typically lead to a loss of protein function (PMID: 16199547), and loss-of-function variants in MSH6 are known to be pathogenic (PMID: 18269114, 24362816). This variant is present in population databases (no rsID available, gnomAD 0.01%). Disruption of this splice site has been observed in individuals with Lynch syndrome (PMID: 36591511; internal data). ClinVar contains an entry for this variant (Variation ID: 455274). Algorithms developed to predict the effect of sequence changes on RNA splicing suggest that this variant may disrupt the consensus splice site. For these reasons, this variant has been classified as Pathogenic.

Myriad Genetics, Inc.
Classification: Likely pathogenic for Lynch syndrome 5. Last evaluated: 2023-08-24. Review status: criteria provided, single submitter. Criteria: Myriad Autosomal Dominant, Autosomal Recessive and X-Linked Classification Criteria (2023). Collection method: clinical testing. Allele origin: unknown.
Comment: This variant is considered likely pathogenic. This variant occurs within a consensus splice junction and is predicted to result in abnormal mRNA splicing of either an out-of-frame exon or an in-frame exon necessary for protein stability and/or normal function.

Knight Diagnostic Laboratories, Oregon Health and Sciences University
Classification: Likely pathogenic for Hereditary cancer-predisposing syndrome. Last evaluated: 2019-03-26. Review status: criteria provided, single submitter. Criteria: ACMG Guidelines, 2015. Collection method: clinical testing. Allele origin: germline. Observed: 1 variant allele.

Color Diagnostics, LLC DBA Color Health
Classification: Likely pathogenic for Hereditary cancer-predisposing syndrome. Last evaluated: 2018-10-08. Review status: criteria provided, single submitter. Criteria: ACMG Guidelines, 2015. Collection method: clinical testing. Allele origin: germline.

Literature cited by the submitters: PubMed 16199547 (cited by Labcorp Genetics (formerly Invitae), Labcorp); PubMed 18269114 (cited by Labcorp Genetics (formerly Invitae), Labcorp); PubMed 24362816 (cited by Labcorp Genetics (formerly Invitae), Labcorp); PubMed 36591511 (cited by Labcorp Genetics (formerly Invitae), Labcorp).

NM_000179.3(MSH6):c.3646+2T>C

Gene: MSH6 (mutS homolog 6; plus strand). Cytogenetic location: 2p16.3.
Variant type: single nucleotide variant.
Coding change: c.3646+2T>C on transcript NM_000179.3 (MANE Select); the canonical splice donor site of the intron after coding-DNA position 3646, T replaced by C.
Molecular consequence: splice donor variant.
Genome position (GRCh38, 1-based): chr2:47,805,709, T>C. VCF-style: chr2-47805709-T-C. GRCh37 (hg19) VCF-style: chr2-48032848-T-C.
Other names: c.3646+2T>C (NM_001406809.1, NM_001406796.1, NM_001406808.1 and 1 more transcripts); c.2740+2T>C (NM_001406811.1, NM_001406814.1, NM_001281493.2 and 6 more transcripts); c.3349+2T>C (NM_001406805.1, NM_001406797.1, NM_001406801.1 and 10 more transcripts); c.3742+2T>C (NM_001406795.1, NM_001406802.1); c.3652+2T>C (NM_001406813.1); c.3121+2T>C (NM_001406807.1, NM_001406799.1, NM_001406806.1); c.3472+2T>C (NM_001406798.1); c.2782+2T>C (NM_001406803.1); and 7 more.
Identifiers: ClinVar variation 455274 (VCV000455274.17), dbSNP rs1553332776, ClinGen allele CA346760643.
Genomic context (GRCh38, chr2:47,805,709, plus strand): 5'-AACTGCCAGCATACTCATGCATGCAACAGCACATTCTCTGGTGCTTGTGGATGAATTAGG[T>C]AAGACATTAAACTTCTCATTTGAAGACTATCTATCTTAAAAACATTTGTACAAATAACTA-3'